The following is an entry in ClinVar:

ClinVar aggregate classification (germline): Conflicting classifications of pathogenicity. Review status: criteria provided, conflicting classifications (1 of 4 stars). 7 submissions from 7 submitters: Uncertain significance (1); Likely benign (4). 2 of the submissions do not count toward it. Last evaluated 2026-01-26.

Conditions:
CDH23-related disorder. Also called: CDH23-related disorders; CDH23-related condition.
Usher syndrome type 1 (USH1). Also called: RETINITIS PIGMENTOSA AND CONGENITAL DEAFNESS. Identifiers: Orphanet 231169, Orphanet 886, MedGen C1568247, MONDO:0010168, OMIM 276900.

Allele frequency attached by ClinVar (database versions not stated): ExAC 0.00007; ESP Exome Variant Server 0.00008; gnomAD exomes 0.00008 and 0.00016; TOPMed 0.00013; gnomAD 0.00016 and 0.00017.
gnomAD v4.1: 262 of 1,613,806 alleles (0.016%); highest among the groups gnomAD compares: Non-Finnish European, 0.02%; no homozygotes.

Submissions (7):

Labcorp Genetics (formerly Invitae), Labcorp
Classification: Likely benign. Last evaluated: 2026-01-26. Review status: criteria provided, single submitter. Criteria: Invitae Variant Classification Sherloc (09022015). Collection method: clinical testing. Allele origin: germline.

Blueprint Genetics
Classification: Likely benign. Last evaluated: 2024-06-04. Review status: criteria provided, single submitter. Criteria: ACMG Guidelines, 2015. Collection method: clinical testing. Allele origin: germline.

GeneDx
Classification: Likely benign. Last evaluated: 2020-05-15. Review status: criteria provided, single submitter. Criteria: GeneDx Variant Classification Process June 2021. Collection method: clinical testing. Allele origin: germline. Affected: yes.

Laboratory for Molecular Medicine, Mass General Brigham Personalized Medicine
Classification: Likely benign. Last evaluated: 2015-11-12. Review status: criteria provided, single submitter. Criteria: LMM Criteria. Collection method: clinical testing. Allele origin: germline. Observed: 3 variant alleles.
Comment: p.Leu2142Leu in Exon 48 of CDH23: This variant is not expected to have clinical significance because it does not alter an amino acid residue, is not located wit hin the splice consensus sequence, and has been identified in 9/66584 of Europea n chromosomes by the Exome Aggregation Consortium (ExAC; dbSNP rs371932558).

Eurofins Ntd Llc (ga)
Classification: Uncertain significance. Last evaluated: 2014-01-24. Review status: criteria provided, single submitter. Criteria: EGL Classification Definitions 2015. Collection method: clinical testing. Allele origin: germline. Observed: 1 variant allele, 1 heterozygote.

Natera, Inc.
Classification: Uncertain significance for Usher syndrome type 1. Last evaluated: 2020-04-17. Review status: no assertion criteria provided. Collection method: clinical testing. Allele origin: germline. Not counted in ClinVar's aggregate classification.

PreventionGenetics, part of Exact Sciences
Classification: Likely benign for CDH23-related condition. Last evaluated: 2020-01-09. Review status: no assertion criteria provided. Collection method: clinical testing. Allele origin: germline. Not counted in ClinVar's aggregate classification.
Comment: This variant is classified as likely benign based on ACMG/AMP sequence variant interpretation guidelines (Richards et al. 2015 PMID: 25741868, with internal and published modifications).

NM_022124.6(CDH23):c.6426A>G (p.Leu2142=)

Gene: CDH23 (cadherin related 23; plus strand). Cytogenetic location: 10q22.1.
Variant type: single nucleotide variant.
Coding change: c.6426A>G on transcript NM_022124.6 (MANE Select); coding-DNA position 6426, A replaced by G.
Protein change: p.Leu2142=; no amino-acid change (leucine 2142 retained).
Molecular consequence: synonymous variant.
Genome position (GRCh38, 1-based): chr10:71,793,354, A>G. VCF-style: chr10-71793354-A-G. GRCh37 (hg19) VCF-style: chr10-73553111-A-G.
Identifiers: ClinVar variation 46010 (VCV000046010.26), dbSNP rs371932558, ClinGen allele CA137533.
Genomic context (GRCh38, chr10:71,793,354, plus strand): 5'-CGGGGTCATCCGTGTTGGTAATGCCACCATCGACAGAGAGGAGCAGGAGTCCTACAGGCT[A>G]ACGGTGGTGGCCACCGACCGGGGCACCGTTCCTCTCTCGGGCACAGCCATTGTCACCATT-3'
Protein context (NP_071407.4, residues 2132-2152): IDREEQESYR[Leu2142=]TVVATDRGTV